The following is an entry in ClinVar:

NM_182931.3(KMT2E):c.4328_4336del (p.Pro1443_Pro1445del)

Gene: KMT2E (lysine methyltransferase 2E (inactive); plus strand). Cytogenetic location: 7q22.3.
Variant type: Deletion.
Coding change: c.4328_4336del on transcript NM_182931.3 (MANE Select); coding-DNA positions 4328 to 4336, 9 bases deleted (CATCACCTC; older notation c.4328_4336delCATCACCTC).
Protein change: p.Pro1443_Pro1445del.
Molecular consequence: inframe deletion. On other transcripts: inframe indel (1).
Genome position (GRCh38, 1-based): chr7:105,112,084-105,112,092, CATCACCTC deleted; deleting any 9 consecutive bases within chr7:105,112,080-105,112,092 gives the same sequence; the c. name uses the placement nearest the transcript's 3' end. VCF-style (leftmost placement, unchanged base first): chr7-105112079-TCCTCCATCA-T. GRCh37 (hg19) VCF-style: chr7-104752526-TCCTCCATCA-T.
Other names: c.4202_4210delCATCACCTC, p.Pro1401_Pro1403del (NM_001410908.1); c.4328_4336del, p.Pro1443_Pro1445del (NM_018682.4).
Identifiers: ClinVar variation 2226828 (VCV002226828.2), dbSNP rs2536524146, ClinGen allele CA2580076097.

ClinVar aggregate classification (germline): Uncertain significance (1 of 4 stars; one submission).

Conditions:
Inborn genetic diseases. Identifiers: MedGen C0950123, MeSH D030342.

Submission:

Ambry Genetics
Classification: Uncertain significance for Inborn genetic diseases. Last evaluated: 2020-04-29. Review status: criteria provided, single submitter. Criteria: Ambry Variant Classification Scheme 2023. Collection method: clinical testing. Allele origin: germline.
Comment: The alteration results in an in-frame deletion:_x000D_ _x000D_ The c.4328_4336del9 (p.P1443_P1445del) alteration, located in exon 27 (coding exon 25) of the KMT2E gene, results from an in-frame deletion of 9 nucleotides at positions 4328 and 4336. This results in the deletion of 3 amino acids between codons 1443 and 1445. The alteration is not observed in population databases: _x000D_ _x000D_ Based on data from the Genome Aggregation Database (gnomAD), the KMT2E c.4328_4336del9 alteration was not observed, with coverage at this position. The altered amino acids are conserved throughout evolution:_x000D_ _x000D_ The p.P1443_P1445 amino acids are conserved in available vertebrate species. The alteration is predicted deleterious by in silico modeling:_x000D_ _x000D_ The p.P1443_P1445del alteration is predicted to be deleterious with a score of -7.243 by PROVEAN in silico analysis. Based on insufficient or conflicting evidence, the clinical significance of this alteration remains unclear.